The following is an entry in ClinVar:

ClinVar aggregate classification (germline): Uncertain significance (1 of 4 stars; one submission).

Conditions:
Spondyloepiphyseal dysplasia with congenital joint dislocations (SEDCJD). Also called: Chondrodysplasia with Congenital Joint Dislocations, CHST3-Related. Identifiers: Orphanet 263463, MedGen C1837657, MONDO:0007738, OMIM 143095.

Allele frequency attached by ClinVar (database versions not stated): gnomAD 0.00001; gnomAD exomes 0.00001; 1000 Genomes Project 30x 0.00016; 1000 Genomes Project 0.00040.
gnomAD v4.1: 12 of 1,572,304 alleles (0.00076%); highest among the groups gnomAD compares: African/African-American, 0.0067%; no homozygotes.

Submission:

Labcorp Genetics (formerly Invitae), Labcorp
Classification: Uncertain significance for Spondyloepiphyseal dysplasia with congenital joint dislocations. Last evaluated: 2021-02-22. Review status: criteria provided, single submitter. Criteria: Invitae Variant Classification Sherloc (09022015). Collection method: clinical testing. Allele origin: germline.
Comment: In summary, the available evidence is currently insufficient to determine the role of this variant in disease. Therefore, it has been classified as a Variant of Uncertain Significance. Algorithms developed to predict the effect of missense changes on protein structure and function are either unavailable or do not agree on the potential impact of this missense change (SIFT: "Tolerated"; PolyPhen-2: "Probably Damaging"; Align-GVGD: "Class C0"). This variant has not been reported in the literature in individuals with CHST3-related conditions. The frequency data for this variant in the population databases is considered unreliable, as metrics indicate insufficient coverage at this position in the ExAC database. This sequence change replaces arginine with histidine at codon 465 of the CHST3 protein (p.Arg465His). The arginine residue is moderately conserved and there is a small physicochemical difference between arginine and histidine.

NM_004273.5(CHST3):c.1394G>A (p.Arg465His)

Gene: CHST3 (carbohydrate sulfotransferase 3; plus strand). Cytogenetic location: 10q22.1.
Variant type: single nucleotide variant.
Coding change: c.1394G>A on transcript NM_004273.5 (MANE Select); coding-DNA position 1394, G replaced by A.
Protein change: p.Arg465His; replaces arginine 465 with histidine.
Molecular consequence: missense variant.
Genome position (GRCh38, 1-based): chr10:72,008,425, G>A. VCF-style: chr10-72008425-G-A. GRCh37 (hg19) VCF-style: chr10-73768183-G-A.
Other names: short protein forms R465H.
Identifiers: ClinVar variation 1382843 (VCV001382843.6), dbSNP rs569940449, ClinGen allele CA209479482.
Genomic context (GRCh38, chr10:72,008,425, plus strand): 5'-GCCCTGCCATGCGCCTCTTCGGCTACAAACTGGCGCGGGACGCCGCCGCCCTCACCAACC[G>A]CTCAGTCAGCCTGCTGGAGGAGAGGGGCACCTTCTGGGTCACGTAGGGGGGCCGGGGCCC-3'
Protein context (NP_004264.2, residues 455-475): LARDAAALTN[Arg465His]SVSLLEERGT